The following is an entry in ClinVar:

ClinVar aggregate classification (germline): Uncertain significance (1 of 4 stars; one submission).

Conditions:
POLD1-related polyposis and colorectal cancer syndrome (CRCS10). Also called: Colorectal cancer 10; COLORECTAL CANCER, SUSCEPTIBILITY TO, ON CHROMOSOME 19q; Colorectal cancer, susceptibility to, 10. Identifiers: Orphanet 220460, MedGen C2675481, MONDO:0012953, OMIM 612591.

Submission:

Labcorp Genetics (formerly Invitae), Labcorp
Classification: Uncertain significance for POLD1-related polyposis and colorectal cancer syndrome. Last evaluated: 2023-09-30. Review status: criteria provided, single submitter. Criteria: Invitae Variant Classification Sherloc (09022015). Collection method: clinical testing. Allele origin: unknown.
Comment: In summary, the available evidence is currently insufficient to determine the role of this variant in disease. Therefore, it has been classified as a Variant of Uncertain Significance. Experimental studies and prediction algorithms are not available or were not evaluated, and the functional significance of this variant is currently unknown. This variant has not been reported in the literature in individuals affected with POLD1-related conditions. This variant results in a copy number gain of the genomic region encompassing exon(s) 1-3 of the POLD1 gene. This region includes the initiator codon of the gene. This copy number gain extends beyond the assayed region for this gene and therefore may encompass additional genes. As the precise location of this event is unknown, it may be in tandem or it may be located elsewhere in the genome.

NC_000019.9:g.(?_50713623)_(50902761_?)dup

Genes: KCNC3 (potassium voltage-gated channel subfamily C member 3; minus strand), MYH14 (myosin heavy chain 14; plus strand), NAPSA (napsin A aspartic peptidase; minus strand), NR1H2 (nuclear receptor subfamily 1 group H member 2; plus strand), POLD1 (DNA polymerase delta 1, catalytic subunit; plus strand). Cytogenetic location: 19q13.33.
Variant type: Duplication.
Identifiers: ClinVar variation 3248474 (VCV003248474.1).